The following is an entry in ClinVar:

NM_001458.5(FLNC):c.1493A>C (p.Lys498Thr)

Gene: FLNC (filamin C; plus strand). Cytogenetic location: 7q32.1.
Variant type: single nucleotide variant.
Coding change: c.1493A>C on transcript NM_001458.5 (MANE Select); coding-DNA position 1493, A replaced by C.
Protein change: p.Lys498Thr; replaces lysine 498 with threonine.
Molecular consequence: missense variant.
Genome position (GRCh38, 1-based): chr7:128,840,104, A>C. VCF-style: chr7-128840104-A-C. GRCh37 (hg19) VCF-style: chr7-128480158-A-C.
Other names: c.1493A>C, p.Lys498Thr (NM_001127487.2); short protein forms K498T.
Identifiers: ClinVar variation 4812318 (VCV004812318.1).

ClinVar aggregate classification (germline): Uncertain significance (1 of 4 stars; one submission).

Conditions:
Myofibrillar myopathy 5. Also called: FILAMINOPATHY, AUTOSOMAL DOMINANT; Filaminopathy (type). Identifiers: Orphanet 171445, MedGen C1836050, MONDO:0012289, OMIM 609524.
Distal myopathy with posterior leg and anterior hand involvement. Also called: WILLIAMS DISTAL MYOPATHY. Identifiers: Orphanet 63273, MedGen C3279722, MONDO:0013550, OMIM 614065.
Hypertrophic cardiomyopathy 26. Also called: Cardiomyopathy, familial hypertrophic, 26. Identifiers: Orphanet 75249, MedGen C4310749, MONDO:0014883, OMIM 617047.

Submission:

Labcorp Genetics (formerly Invitae), Labcorp
Classification: Uncertain significance for Distal myopathy with posterior leg and anterior hand involvement; Myofibrillar myopathy 5; Hypertrophic cardiomyopathy 26. Last evaluated: 2025-10-06. Review status: criteria provided, single submitter. Criteria: Invitae Variant Classification Sherloc (09022015). Collection method: clinical testing. Allele origin: germline.
Comment: This sequence change replaces lysine, which is basic and polar, with threonine, which is neutral and polar, at codon 498 of the FLNC protein (p.Lys498Thr). This variant is not present in population databases (gnomAD no frequency). This variant has not been reported in the literature in individuals affected with FLNC-related conditions. Invitae Evidence Modeling of protein sequence and biophysical properties (such as structural, functional, and spatial information, amino acid conservation, physicochemical variation, residue mobility, and thermodynamic stability) has been performed for this missense variant. However, the output from this modeling did not meet the statistical confidence thresholds required to predict the impact of this variant on FLNC protein function. In summary, the available evidence is currently insufficient to determine the role of this variant in disease. Therefore, it has been classified as a Variant of Uncertain Significance.